The following is an entry in ClinVar:

ClinVar aggregate classification (germline): Benign/Likely benign. Review status: criteria provided, multiple submitters, no conflicts (2 of 4 stars). 3 submissions from 3 submitters: Benign (1); Likely benign (2). Last evaluated 2024-11-07.

Conditions:
Hereditary cancer-predisposing syndrome. Also called: Tumor predisposition; Neoplastic Syndromes, Hereditary; Hereditary neoplastic syndrome; Hereditary Cancer Syndrome. Identifiers: Orphanet 140162, MedGen C0027672, MeSH D009386, MONDO:0015356.
Papillary renal cell carcinoma type 1 (RCCP1). Also called: RENAL CELL CARCINOMA, PAPILLARY, 1, SOMATIC; Renal adenocarcinoma; Renal cell carcinoma 1; Renal cell carcinoma, somatic. Identifiers: Orphanet 47044, MedGen C1336839, OMIM 605074, HP:0011797.
Renal cell carcinoma. Identifiers: Orphanet 217071, MedGen C0007134, MeSH D002292, MONDO:0005086, HP:0005584.

Submissions (3):

Myriad Genetics, Inc.
Classification: Benign for Papillary renal cell carcinoma type 1. Last evaluated: 2024-11-07. Review status: criteria provided, single submitter. Criteria: Myriad Autosomal Dominant, Autosomal Recessive and X-Linked Classification Criteria (2023). Collection method: clinical testing. Allele origin: unknown.
Comment: This variant is considered benign. This variant is a silent/synonymous amino acid change and it is not expected to impact splicing.

Labcorp Genetics (formerly Invitae), Labcorp
Classification: Likely benign for Renal cell carcinoma. Last evaluated: 2024-08-13. Review status: criteria provided, single submitter. Criteria: Invitae Variant Classification Sherloc (09022015). Collection method: clinical testing. Allele origin: germline.

Ambry Genetics
Classification: Likely benign for Hereditary cancer-predisposing syndrome. Last evaluated: 2021-08-27. Review status: criteria provided, single submitter. Criteria: Ambry Variant Classification Scheme 2023. Collection method: clinical testing. Allele origin: germline.

NM_000245.4(MET):c.1050G>A (p.Lys350=)

Gene: MET (MET proto-oncogene, receptor tyrosine kinase; plus strand). Cytogenetic location: 7q31.2.
Variant type: single nucleotide variant.
Coding change: c.1050G>A on transcript NM_000245.4 (MANE Select); coding-DNA position 1050, G replaced by A.
Protein change: p.Lys350=; no amino-acid change (lysine 350 retained).
Molecular consequence: synonymous variant. On other transcripts: intron variant (1).
Genome position (GRCh38, 1-based): chr7:116,700,134, G>A. VCF-style: chr7-116700134-G-A. GRCh37 (hg19) VCF-style: chr7-116340188-G-A.
Other names: c.1050G>A, p.Lys350= (NM_001127500.3, NM_001324401.3); c.-91+27557G>A (NM_001324402.2).
Identifiers: ClinVar variation 416930 (VCV000416930.15), dbSNP rs1060504940, ClinGen allele CA16611992.